The following is an entry in ClinVar:

ClinVar aggregate classification (germline): Uncertain significance. Review status: criteria provided, multiple submitters, no conflicts (2 of 4 stars). 3 submissions from 3 submitters: Uncertain significance (3). Last evaluated 2025-07-22.

Conditions:
Hypertrophic cardiomyopathy 14. Identifiers: MedGen C2750467, MONDO:0013197, OMIM 613251.
Hypertrophic cardiomyopathy 1 (CMH1). Also called: Familial hypertrophic cardiomyopathy 1; MYH7-Related Familial Hypertrophic Cardiomyopathy. Identifiers: MedGen C3495498, MONDO:0008647, OMIM 192600.
Sick sinus syndrome 3, susceptibility to (SSS3). Identifiers: Orphanet 166282, MedGen C3279791, MONDO:0013568, OMIM 614090.
Dilated cardiomyopathy 1EE (CMD1EE). Identifiers: Orphanet 154, MedGen C2750466, MONDO:0013198, OMIM 613252.
Atrial septal defect 3 (ASD3). Identifiers: Orphanet 1478, MedGen C3279790, MONDO:0013567, OMIM 614089.

Allele frequency attached by ClinVar (database versions not stated): ExAC 0.00001; gnomAD exomes 0.00001 and 0.00002.
gnomAD v4.1: 23 of 1,613,396 alleles (0.0014%); highest among the groups gnomAD compares: Non-Finnish European, 0.0019%; no homozygotes.

Submissions (3):

GeneDx
Classification: Uncertain significance. Last evaluated: 2025-07-22. Review status: criteria provided, single submitter. Criteria: GeneDx Variant Classification Process June 2021. Collection method: clinical testing. Allele origin: germline. Affected: yes.
Comment: Not observed at significant frequency in large population cohorts (gnomAD); In silico analysis suggests that this missense variant does not alter protein structure/function; Has not been previously published as pathogenic or benign to our knowledge

Labcorp Genetics (formerly Invitae), Labcorp
Classification: Uncertain significance for Hypertrophic cardiomyopathy 14. Last evaluated: 2021-08-27. Review status: criteria provided, single submitter. Criteria: Invitae Variant Classification Sherloc (09022015). Collection method: clinical testing. Allele origin: germline.

Fulgent Genetics
Classification: Uncertain significance for Hypertrophic cardiomyopathy 1; Hypertrophic cardiomyopathy 14; Dilated cardiomyopathy 1EE; Atrial septal defect 3; Sick sinus syndrome 3, susceptibility to. Last evaluated: 2021-07-14. Review status: criteria provided, single submitter. Criteria: ACMG Guidelines, 2015. Collection method: clinical testing. Allele origin: unknown.

NM_002471.4(MYH6):c.5481G>C (p.Glu1827Asp)

Gene: MYH6 (myosin heavy chain 6; minus strand). Cytogenetic location: 14q11.2.
Variant type: single nucleotide variant.
Coding change: c.5481G>C on transcript NM_002471.4 (MANE Select); coding-DNA position 5481, G replaced by C.
Protein change: p.Glu1827Asp; replaces glutamic acid 1827 with aspartic acid.
Molecular consequence: missense variant.
Genome position (GRCh38, 1-based): chr14:23,384,526, C>G on the plus strand (G>C on the coding strand, the complement: MYH6 is on the minus strand). VCF-style: chr14-23384526-C-G. GRCh37 (hg19) VCF-style: chr14-23853735-C-G.
Other names: short protein forms E1827D.
Identifiers: ClinVar variation 1053161 (VCV001053161.6), dbSNP rs760865481, ClinGen allele CA7114422.
Genomic context (GRCh38, chr14:23,384,526, plus strand): 5'-CCGCTCGCTCTTCCTCATGCCCTTCACCGACTCTGCGTTGCGCTTCTGCTCGGCCTCCAG[C>G]TCACCCTCCAGCTCCCGCACCCGCGCTTCCAGCTTCTGCAGCTGCTTCTTGCCTCCCTTG-3'
Protein context (NP_002462.2, residues 1817-1837): LEARVRELEG[Glu1827Asp]LEAEQKRNAE